The following is an entry in ClinVar:

GRCh38/hg38 16p12.2(chr16:21973700-22396610)x1

Genes: CDR2 (cerebellar degeneration related protein 2), CDR2-DT (CDR2 divergent transcript), EEF2K (eukaryotic elongation factor 2 kinase), MOSMO (modulator of smoothened), PDZD9 (PDZ domain containing 9) and 31 more. Cytogenetic location: 16p12.2.
Variant type: copy number loss.
Change: copy number 1 (one copy instead of two) of chr16:21,973,700-22,396,610 (422.9 kb, GRCh38 coordinates, 1-based), cytogenetic band 16p12.2.
Identifiers: ClinVar variation 57560 (VCV000057560.2).

ClinVar aggregate classification (germline): Uncertain significance (1 of 4 stars; one submission).

Submission:

ISCA Site 6
Classification: Uncertain significance. Last evaluated: 2011-08-12. Review status: criteria provided, single submitter. Criteria: Kaminsky et al. (Genet Med. 2011). Collection method: clinical testing. Allele origin: maternal. Affected: yes. Observed: 1 variant allele.
Comment: Copy number variation identified through the course of routine clinical cytogenomic testing in postnatal populations. Clinical assertions have been curated as described in Kaminsky et al. 2011.